The following is an entry in ClinVar:

NM_013390.3(CEMIP2):c.1419T>C (p.Gly473=)

Gene: CEMIP2 (cell migration inducing hyaluronidase 2; minus strand). Cytogenetic location: 9q21.13.
Variant type: single nucleotide variant.
Coding change: c.1419T>C on transcript NM_013390.3 (MANE Select); coding-DNA position 1419, T replaced by C.
Protein change: p.Gly473=; no amino-acid change (glycine 473 retained).
Molecular consequence: synonymous variant. On other transcripts: 5 prime UTR variant (1).
Genome position (GRCh38, 1-based): chr9:71,732,495, A>G on the plus strand (T>C on the coding strand, the complement: CEMIP2 is on the minus strand). VCF-style: chr9-71732495-A-G. GRCh37 (hg19) VCF-style: chr9-74347411-A-G.
Other names: c.1230T>C, p.Gly410= (NM_001135820.2); c.-462T>C (NM_001349784.2).
Identifiers: ClinVar variation 2659254 (VCV002659254.24), dbSNP rs145378380, ClinGen allele CA5079962.

ClinVar aggregate classification (germline): Likely benign (1 of 4 stars; one submission).

Allele frequency attached by ClinVar (database versions not stated): gnomAD exomes 0.00002; gnomAD 0.00004; ExAC 0.00005; TOPMed 0.00006; ESP Exome Variant Server 0.00023.
gnomAD v4.1: 35 of 1,608,168 alleles (0.0022%); highest among the groups gnomAD compares: Middle Eastern, 0.083%; no homozygotes.

Submission:

CeGaT Center for Human Genetics Tuebingen
Classification: Likely benign. Last evaluated: 2023-01-01. Review status: criteria provided, single submitter. Criteria: CeGaT Center For Human Genetics Tuebingen Variant Classification Criteria Version 2. Collection method: clinical testing. Allele origin: germline. Affected: yes. Observed: 1 variant allele.
Comment: CEMIP2: BP4, BP7